The following is an entry in ClinVar:

ClinVar aggregate classification (germline): Uncertain significance (1 of 4 stars; one submission).

Conditions:
Intellectual developmental disorder, autosomal recessive 58. Also called: Intellectual disability, autosomal recessive 58. Identifiers: MedGen C4310641, MONDO:0014996, OMIM 617270.

Allele frequency attached by ClinVar (database versions not stated): gnomAD exomes below 0.00001 and 0.00001; TOPMed below 0.00001.
gnomAD v4.1: 1 of 1,613,720 alleles (0.000062%); highest among the groups gnomAD compares: Non-Finnish European, 0.000085%; no homozygotes.

Submission:

Baylor Genetics
Classification: Uncertain significance for Intellectual developmental disorder, autosomal recessive 58. Last evaluated: 2019-01-16. Review status: criteria provided, single submitter. Criteria: ACMG Guidelines, 2015. Collection method: clinical testing. Allele origin: unknown. Affected: yes.
Comment: This variant was determined to be of uncertain significance according to ACMG Guidelines, 2015 [PMID:25741868].

NM_018255.4(ELP2):c.2236T>C (p.Cys746Arg)

Gene: ELP2 (elongator acetyltransferase complex subunit 2; plus strand). Cytogenetic location: 18q12.2.
Variant type: single nucleotide variant.
Coding change: c.2236T>C on transcript NM_018255.4 (MANE Select); coding-DNA position 2236, T replaced by C.
Protein change: p.Cys746Arg; replaces cysteine 746 with arginine.
Molecular consequence: missense variant. On other transcripts: non-coding transcript variant (4).
Genome position (GRCh38, 1-based): chr18:36,171,072, T>C. VCF-style: chr18-36171072-T-C. GRCh37 (hg19) VCF-style: chr18-33751035-T-C.
Other names: c.2431T>C, p.Cys811Arg (NM_001242875.3); c.2221T>C, p.Cys741Arg (NM_001242876.3); c.2158T>C, p.Cys720Arg (NM_001242877.3); c.2026T>C, p.Cys676Arg (NM_001242878.3, NM_001242879.3); c.2104T>C, p.Cys702Arg (NM_001324465.2); c.2353T>C, p.Cys785Arg (NM_001324466.2); c.2086T>C, p.Cys696Arg (NM_001324467.2); c.1789T>C, p.Cys597Arg (NM_001324468.2); short protein forms C676R, C597R, C696R, C702R, C746R, C811R, C720R, C741R.
Identifiers: ClinVar variation 1031244 (VCV001031244.1), dbSNP rs1414536488, ClinGen allele CA402219780.
Genomic context (GRCh38, chr18:36,171,072, plus strand): 5'-AGTTAATCACTGTTGTCCCCCTCCCTTAAAAACAGATACGTGGTTGCAGTAGGATTGGAG[T>C]GTGGAAAGATTTGCTTATATACCTGGAAAAAGACTGATCAAGTTCCAGAAATAAATGACT-3'
Protein context (NP_060725.1, residues 736-756): QRYVVAVGLE[Cys746Arg]GKICLYTWKK